The following is an entry in ClinVar:

ClinVar aggregate classification (germline): Uncertain significance. Review status: criteria provided, multiple submitters, no conflicts (2 of 4 stars). 5 submissions from 4 submitters: Uncertain significance (5). Last evaluated 2025-12-09.

Conditions:
RASopathy. Also called: rasopathies; Noonan spectrum disorder. Identifiers: Orphanet 536391, MedGen C5555857, MONDO:0021060.
Noonan syndrome 4 (NS4). Also called: SOS1-Related Noonan Syndrome; NOONAN SYNDROME WITH PIGMENTED VILLONODULAR SYNOVITIS. Identifiers: Orphanet 648, MedGen C1853120, MONDO:0012547, OMIM 610733.
Fibromatosis, gingival, 1 (GINGF1). Identifiers: Orphanet 2024, MedGen C4551558, MONDO:0007609, OMIM 135300.

Allele frequency attached by ClinVar (database versions not stated): TOPMed 0.00002; ExAC 0.00004.
gnomAD v4.1: 32 of 1,580,890 alleles (0.002%); highest among the groups gnomAD compares: Non-Finnish European, 0.0025%; no homozygotes.

Submissions (5):

Labcorp Genetics (formerly Invitae), Labcorp
Classification: Uncertain significance for RASopathy. Last evaluated: 2025-12-09. Review status: criteria provided, single submitter. Criteria: Invitae Variant Classification Sherloc (09022015). Collection method: clinical testing. Allele origin: germline.
Comment: This sequence change falls in intron 1 of the SOS1 gene. It does not directly change the encoded amino acid sequence of the SOS1 protein. It affects a nucleotide within the consensus splice site. This variant is present in population databases (rs777383378, gnomAD 0.004%). This variant has not been reported in the literature in individuals affected with SOS1-related conditions. ClinVar contains an entry for this variant (Variation ID: 861904). Variants that disrupt the consensus splice site are a relatively common cause of aberrant splicing (PMID: 17576681, 9536098). Algorithms developed to predict the effect of sequence changes on RNA splicing suggest that this variant is not likely to affect RNA splicing. In summary, the available evidence is currently insufficient to determine the role of this variant in disease. Therefore, it has been classified as a Variant of Uncertain Significance.

Fulgent Genetics
Classification: Uncertain significance for Fibromatosis, gingival, 1; Noonan syndrome 4. Last evaluated: 2021-09-02. Review status: criteria provided, single submitter. Criteria: ACMG Guidelines, 2015. Collection method: clinical testing. Allele origin: unknown.

Women's Health and Genetics/Laboratory Corporation of America, LabCorp
Classification: Uncertain significance. Last evaluated: 2021-04-26. Review status: criteria provided, single submitter. Criteria: LabCorp Variant Classification Summary - May 2015. Collection method: clinical testing. Allele origin: germline.
Comment: Variant summary: SOS1 c.87+6G>T alters a non-conserved nucleotide located close to a canonical splice site and therefore could affect mRNA splicing, leading to a significantly altered protein sequence. 4/4 computational tools predict no significant impact on normal splicing. However, these predictions have yet to be confirmed by functional studies. The variant allele was found at a frequency of 1.8e-05 in 216520 control chromosomes (gnomAD). The available data on variant occurrences in the general population are insufficient to allow any conclusion about variant significance. To our knowledge, no occurrence of c.87+6G>T in individuals affected with Noonan Syndrome and no experimental evidence demonstrating its impact on protein function have been reported. One ClinVar submitter (evaluation after 2014) cites the variant as uncertain significance. Based on the evidence outlined above, the variant was classified as uncertain significance.

Genome-Nilou Lab
Classification: Uncertain significance for Noonan syndrome 4. Review status: criteria provided, single submitter. Criteria: ACMG Guidelines, 2015. Collection method: clinical testing. Allele origin: germline.

Genome-Nilou Lab
Classification: Uncertain significance for Fibromatosis, gingival, 1. Review status: criteria provided, single submitter. Criteria: ACMG Guidelines, 2015. Collection method: clinical testing. Allele origin: germline.

Literature cited by the submitters: PubMed 17576681 (cited by Labcorp Genetics (formerly Invitae), Labcorp); PubMed 9536098 (cited by Labcorp Genetics (formerly Invitae), Labcorp).

NM_005633.4(SOS1):c.87+6G>T

Genes: SOS1 (SOS Ras/Rac guanine nucleotide exchange factor 1; minus strand), LOC129933535 (ATAC-STARR-seq lymphoblastoid silent region 11384; plus strand). Cytogenetic location: 2p22.1.
Variant type: single nucleotide variant.
Coding change: c.87+6G>T on transcript NM_005633.4 (MANE Select); 6 bases into the intron after coding-DNA position 87, G replaced by T.
Molecular consequence: intron variant.
Genome position (GRCh38, 1-based): chr2:39,120,330, C>A on the plus strand (G>T on the coding strand, the complement: SOS1 is on the minus strand). VCF-style: chr2-39120330-C-A. GRCh37 (hg19) VCF-style: chr2-39347471-C-A.
Other names: c.66+4334G>T (NM_001382394.1); c.87+6G>T (NM_001382395.1).
Identifiers: ClinVar variation 861904 (VCV000861904.11), dbSNP rs777383378, ClinGen allele CA1624887.